The following is an entry in ClinVar:

NM_000051.4(ATM):c.3758A>G (p.Lys1253Arg)

Gene: ATM (ATM serine/threonine kinase; plus strand). Cytogenetic location: 11q22.3.
Variant type: single nucleotide variant.
Coding change: c.3758A>G on transcript NM_000051.4 (MANE Select); coding-DNA position 3758, A replaced by G.
Protein change: p.Lys1253Arg; replaces lysine 1253 with arginine.
Molecular consequence: missense variant.
Genome position (GRCh38, 1-based): chr11:108,284,238, A>G. VCF-style: chr11-108284238-A-G. GRCh37 (hg19) VCF-style: chr11-108154965-A-G.
Other names: c.3758A>G, p.Lys1253Arg (NM_001351834.2); short protein forms K1253R.
Identifiers: ClinVar variation 1734612 (VCV001734612.2), dbSNP rs2135704521, ClinGen allele CA382524289.
Genomic context (GRCh38, chr11:108,284,238, plus strand): 5'-ACTTGGAAAAGTTATATATAACCTGTATTTTAAATTTTTCTATTTTTAGATCTTGTTATA[A>G]GGTTTTGATTCCACATCTGGTGATTAGAAGTCATTTTGATGAGGTGAAGTCCATTGCTAA-3'
Protein context (NP_000042.3, residues 1243-1263): NIEDFYRSCY[Lys1253Arg]VLIPHLVIRS

ClinVar aggregate classification (germline): Uncertain significance (1 of 4 stars; one submission).

Conditions:
Hereditary cancer-predisposing syndrome. Also called: Neoplastic Syndromes, Hereditary; Tumor predisposition; Hereditary Cancer Syndrome; Hereditary neoplastic syndrome. Identifiers: Orphanet 140162, MedGen C0027672, MeSH D009386, MONDO:0015356.

Allele frequency attached by ClinVar (database versions not stated): gnomAD exomes below 0.00001.
gnomAD v4.1: 2 of 1,608,574 alleles (0.00012%); highest among the groups gnomAD compares: Non-Finnish European, 0.00017%; no homozygotes.

Submission:

Ambry Genetics
Classification: Uncertain significance for Hereditary cancer-predisposing syndrome. Last evaluated: 2020-06-12. Review status: criteria provided, single submitter. Criteria: Ambry Variant Classification Scheme 2023. Collection method: clinical testing. Allele origin: germline.
Comment: The p.K1253R variant (also known as c.3758A>G), located in coding exon 25 of the ATM gene, results from an A to G substitution at nucleotide position 3758. The lysine at codon 1253 is replaced by arginine, an amino acid with highly similar properties. This amino acid position is well conserved in available vertebrate species. In addition, this alteration is predicted to be tolerated by in silico analysis. Since supporting evidence is limited at this time, the clinical significance of this alteration remains unclear.

Literature cited by the submitters: PubMed 19228710.